The following is an entry in ClinVar:

ClinVar aggregate classification (germline): Conflicting classifications of pathogenicity. Review status: criteria provided, conflicting classifications (1 of 4 stars). 6 submissions from 6 submitters: Uncertain significance (1); Likely benign (5). Last evaluated 2025-08-06.

Conditions:
Familial thoracic aortic aneurysm and aortic dissection (TAAD). Also called: Thoracic aortic aneurysms and dissections. Identifiers: Orphanet 91387, MedGen C4707243, MONDO:0019625.
Ehlers-Danlos syndrome, type 4 (EDSVASC). Also called: Ehlers-Danlos syndrome vascular type; Ehlers Danlos syndrome, ecchymotic type; Ehlers Danlos syndrome, arterial type; Ehlers Danlos syndrome, Sack-Barabas type; Ehlers-Danlos Syndrome Type IV. Identifiers: Orphanet 286, MedGen C0268338, MONDO:0017314, OMIM 130050.

Allele frequency attached by ClinVar (database versions not stated): gnomAD 0.00006 and 0.00007; TOPMed 0.00006; ESP Exome Variant Server 0.00008.
gnomAD v4.1: 109 of 1,610,294 alleles (0.0068%); highest among the groups gnomAD compares: South Asian, 0.067%; 1 homozygote.

Submissions (6):

Labcorp Genetics (formerly Invitae), Labcorp
Classification: Likely benign for Ehlers-Danlos syndrome, type 4. Last evaluated: 2025-08-06. Review status: criteria provided, single submitter. Criteria: Invitae Variant Classification Sherloc (09022015). Collection method: clinical testing. Allele origin: germline.

All of Us Research Program, National Institutes of Health
Classification: Likely benign for Ehlers-Danlos syndrome, type 4. Last evaluated: 2024-02-05. Review status: criteria provided, single submitter. Criteria: ACMG Guidelines, 2015. Collection method: clinical testing. Allele origin: germline. Inheritance: Autosomal dominant inheritance. Observed: 7 variant alleles, 7 heterozygotes.
Comment: This study involves interpretation of variants in research participants for the purpose of population health screening. Participant phenotype was not available at the time of variant classification. Additional details can be found in publication PMID: 35346344, PMCID: PMC8962531

GeneDx
Classification: Uncertain significance. Last evaluated: 2021-08-27. Review status: criteria provided, single submitter. Criteria: GeneDx Variant Classification Process June 2021. Collection method: clinical testing. Allele origin: germline. Affected: yes.
Comment: Has not been previously published as pathogenic or benign to our knowledge; In silico analysis, which includes splice predictors and evolutionary conservation, suggests this variant may impact gene splicing. In the absence of RNA/functional studies, the actual effect of this sequence change is unknown.; Reported in ClinVar (ClinVar Variant ID# 449862; Landrum et al., 2016); This variant is associated with the following publications: (PMID: 26582918)

CHEO Genetics Diagnostic Laboratory, Children's Hospital of Eastern Ontario
Classification: Likely benign for Familial thoracic aortic aneurysm and aortic dissection. Last evaluated: 2021-06-24. Review status: criteria provided, single submitter. Criteria: ACMG Guidelines, 2015. Collection method: clinical testing. Allele origin: germline.

Color Diagnostics, LLC DBA Color Health
Classification: Likely benign for Familial thoracic aortic aneurysm and aortic dissection. Last evaluated: 2019-03-07. Review status: criteria provided, single submitter. Criteria: ACMG Guidelines, 2015. Collection method: clinical testing. Allele origin: germline.

Ambry Genetics
Classification: Likely benign for Familial thoracic aortic aneurysm and aortic dissection. Last evaluated: 2016-03-10. Review status: criteria provided, single submitter. Criteria: Ambry Variant Classification Scheme 2023. Collection method: clinical testing. Allele origin: germline.

NM_000090.4(COL3A1):c.873C>T (p.Gly291=)

Gene: COL3A1 (collagen type III alpha 1 chain; plus strand). Cytogenetic location: 2q32.2.
Variant type: single nucleotide variant.
Coding change: c.873C>T on transcript NM_000090.4 (MANE Select); coding-DNA position 873, C replaced by T.
Protein change: p.Gly291=; no amino-acid change (glycine 291 retained).
Molecular consequence: synonymous variant.
Genome position (GRCh38, 1-based): chr2:188,991,507, C>T. VCF-style: chr2-188991507-C-T. GRCh37 (hg19) VCF-style: chr2-189856233-C-T.
Identifiers: ClinVar variation 449862 (VCV000449862.21), dbSNP rs138569287, ClinGen allele CA077017.